The following is an entry in ClinVar:

ClinVar aggregate classification (germline): Uncertain significance. Review status: criteria provided, multiple submitters, no conflicts (2 of 4 stars). 3 submissions from 3 submitters: Uncertain significance (3). Last evaluated 2022-03-14.

Conditions:
Bardet-Biedl syndrome (BBS). Identifiers: Orphanet 110, MedGen C0752166, MONDO:0015229.
Sarcotubular myopathy (LGMDR8). Also called: Hutterite type of muscular dystrophy; Limb-girdle muscular dystrophy, type 2H; MUSCULAR DYSTROPHY, LIMB-GIRDLE, AUTOSOMAL RECESSIVE 8; Autosomal recessive limb-girdle muscular dystrophy type 2H. Identifiers: Orphanet 1878, MedGen C0270968, MONDO:0009683, OMIM 254110.
Bardet-Biedl syndrome 11 (BBS11). Identifiers: Orphanet 110, MedGen C1859569, MONDO:0014439, OMIM 615988.

Allele frequency attached by ClinVar (database versions not stated): TOPMed below 0.00001; gnomAD exomes 0.00001 and 0.00002; ExAC 0.00002; gnomAD 0.00001.
gnomAD v4.1: 18 of 1,614,072 alleles (0.0011%); highest among the groups gnomAD compares: South Asian, 0.016%; no homozygotes.

Submissions (3):

Labcorp Genetics (formerly Invitae), Labcorp
Classification: Uncertain significance for Bardet-Biedl syndrome. Last evaluated: 2022-03-14. Review status: criteria provided, single submitter. Criteria: Invitae Variant Classification Sherloc (09022015). Collection method: clinical testing. Allele origin: germline.
Comment: This sequence change replaces glutamic acid, which is acidic and polar, with lysine, which is basic and polar, at codon 144 of the TRIM32 protein (p.Glu144Lys). This variant is present in population databases (rs760202414, gnomAD 0.01%). This variant has not been reported in the literature in individuals affected with TRIM32-related conditions. ClinVar contains an entry for this variant (Variation ID: 290461). Algorithms developed to predict the effect of missense changes on protein structure and function (SIFT, PolyPhen-2, Align-GVGD) all suggest that this variant is likely to be tolerated. In summary, the available evidence is currently insufficient to determine the role of this variant in disease. Therefore, it has been classified as a Variant of Uncertain Significance.

Fulgent Genetics
Classification: Uncertain significance for Sarcotubular myopathy; Bardet-Biedl syndrome 11. Last evaluated: 2021-07-27. Review status: criteria provided, single submitter. Criteria: ACMG Guidelines, 2015. Collection method: clinical testing. Allele origin: unknown.

Eurofins Ntd Llc (ga)
Classification: Uncertain significance. Last evaluated: 2016-09-20. Review status: criteria provided, single submitter. Criteria: EGL Classification Definitions 2015. Collection method: clinical testing. Allele origin: germline. Observed: 1 variant allele, 1 heterozygote.

NM_012210.4(TRIM32):c.430G>A (p.Glu144Lys)

Genes: ASTN2 (astrotactin 2; minus strand), TRIM32 (tripartite motif containing 32; plus strand). Cytogenetic location: 9q33.1.
Variant type: single nucleotide variant.
Coding change: c.430G>A on transcript NM_012210.4 (MANE Select); coding-DNA position 430, G replaced by A.
Protein change: p.Glu144Lys; replaces glutamic acid 144 with lysine.
Molecular consequence: missense variant. On other transcripts: intron variant (3).
Genome position (GRCh38, 1-based): chr9:116,698,172, G>A. VCF-style: chr9-116698172-G-A. GRCh37 (hg19) VCF-style: chr9-119460451-G-A.
Other names: c.430G>A, p.Glu144Lys (NM_001099679.2, NM_001379048.1, NM_001379049.1 and 1 more transcripts); c.2653+27599C>T (NM_014010.5); c.2794+27599C>T (NM_001365069.1); c.2806+27599C>T (NM_001365068.1); short protein forms E144K.
Identifiers: ClinVar variation 290461 (VCV000290461.8), dbSNP rs760202414, ClinGen allele CA5210971.